The following is an entry in ClinVar:

NM_001447.3(FAT2):c.7006G>T (p.Glu2336Ter)

Genes: FAT2 (FAT atypical cadherin 2; minus strand), SLC36A1 (solute carrier family 36 member 1; plus strand). Cytogenetic location: 5q33.1.
Variant type: single nucleotide variant.
Coding change: c.7006G>T on transcript NM_001447.3 (MANE Select); coding-DNA position 7006, G replaced by T.
Protein change: p.Glu2336Ter; replaces glutamic acid 2336 with a stop codon.
Molecular consequence: nonsense.
Genome position (GRCh38, 1-based): chr5:151,544,121, C>A on the plus strand (G>T on the coding strand, the complement: FAT2 is on the minus strand). VCF-style: chr5-151544121-C-A. GRCh37 (hg19) VCF-style: chr5-150923682-C-A.
Other names: short protein forms E2336*.
Identifiers: ClinVar variation 4700469 (VCV004700469.1).
Genomic context (GRCh38, chr5:151,544,121, plus strand): 5'-CTCCTTTATCCATGGCCCTGACTTTCACATGAAAGTGTTGTTGGGCTTCATAATCCAGTT[C>A]TTGAACTGTGGACATCTCCCCTGTGCTCCCATTGATCTGGAAGAACTTGGAAACATCTGA-3'

ClinVar aggregate classification (germline): Uncertain significance (1 of 4 stars; one submission).

gnomAD v4.1: 2 of 1,614,198 alleles (0.00012%); highest among the groups gnomAD compares: Non-Finnish European, 0.000085%; no homozygotes.

Submission:

Labcorp Genetics (formerly Invitae), Labcorp
Classification: Uncertain significance. Last evaluated: 2025-09-11. Review status: criteria provided, single submitter. Criteria: Invitae Variant Classification Sherloc (09022015). Collection method: clinical testing. Allele origin: germline.
Comment: This sequence change creates a premature translational stop signal (p.Glu2336*) in the FAT2 gene. It is expected to result in an absent or disrupted protein product. However, the current clinical and genetic evidence is not sufficient to establish whether loss-of-function variants in FAT2 cause disease. This variant is present in population databases (rs778399515, gnomAD 0.002%). This variant has not been reported in the literature in individuals affected with FAT2-related conditions. In summary, the available evidence is currently insufficient to determine the role of this variant in disease. Therefore, it has been classified as a Variant of Uncertain Significance.